The following is an entry in ClinVar:

ClinVar aggregate classification (germline): Pathogenic/Likely pathogenic. Review status: criteria provided, multiple submitters, no conflicts (2 of 4 stars). 11 submissions from 10 submitters: Pathogenic (6); Likely pathogenic (1). 4 of the submissions do not count toward it. Last evaluated 2025-09-17.

Conditions:
CANT1-related disorder. Also called: CANT1-related condition.
Desbuquois dysplasia 1 (DBQD1). Also called: DESBUQUOIS DYSPLASIA 1, KIM VARIANT; MICROMELIC DWARFISM WITH VERTEBRAL AND METAPHYSEAL ABNORMALITIES AND ADVANCED CARPOTARSAL OSSIFICATION. Identifiers: Orphanet 1425, MedGen C4012146, MONDO:0009629, OMIM 251450.
Epiphyseal dysplasia, multiple, 7. Identifiers: Orphanet 647676, MedGen C4540251, MONDO:0054680, OMIM 617719.

Submissions (11):

First Genomix Gene Laboratory, Genetic Diagnostics Department
Classification: Pathogenic for Desbuquois dysplasia 1; Epiphyseal dysplasia, multiple, 7. Last evaluated: 2025-09-17. Review status: criteria provided, single submitter. Criteria: ACMG Guidelines, 2015. Collection method: clinical testing. Allele origin: germline. Inheritance: Autosomal recessive inheritance. Affected: no. Observed: 1 variant allele.

Labcorp Genetics (formerly Invitae), Labcorp
Classification: Pathogenic. Last evaluated: 2024-08-27. Review status: criteria provided, single submitter. Criteria: Invitae Variant Classification Sherloc (09022015). Collection method: clinical testing. Allele origin: germline.
Comment: This sequence change creates a premature translational stop signal (p.Ser303Alafs*21) in the CANT1 gene. While this is not anticipated to result in nonsense mediated decay, it is expected to disrupt the last 99 amino acid(s) of the CANT1 protein. This variant is present in population databases (no rsID available, gnomAD 0.003%). This premature translational stop signal has been observed in individuals with Desbuquois dysplasia (PMID: 19853239, 28229453, 29620724). ClinVar contains an entry for this variant (Variation ID: 31013). For these reasons, this variant has been classified as Pathogenic.

Genomic Medicine Center of Excellence, King Faisal Specialist Hospital and Research Centre
Classification: Likely pathogenic for Desbuquois dysplasia 1. Last evaluated: 2024-03-25. Review status: criteria provided, single submitter. Criteria: ACMG Guidelines, 2015. Collection method: research. Allele origin: germline.

Blueprint Genetics
Classification: Pathogenic for CANT1-related disorders. Last evaluated: 2023-08-14. Review status: criteria provided, single submitter. Criteria: ACMG Guidelines, 2015. Collection method: clinical testing. Allele origin: germline. Affected: yes. Observed: 5 variant alleles.

GeneDx
Classification: Pathogenic. Last evaluated: 2023-06-13. Review status: criteria provided, single submitter. Criteria: GeneDx Variant Classification Process June 2021. Collection method: clinical testing. Allele origin: germline. Affected: yes.
Comment: Frameshift variant predicted to result in protein truncation, as the last 99 amino acids are replaced with 20 different amino acids, and other loss-of-function variants have been reported downstream in HGMD; Not observed at significant frequency in large population cohorts (gnomAD); This variant is associated with the following publications: (PMID: 34853893, 34645488, 19853239, 31585110, 28229453, 20425819, 31130284, 32860008, 29620724, 34406647, 36331722)

Eurofins Ntd Llc (ga)
Classification: Pathogenic. Last evaluated: 2018-05-21. Review status: criteria provided, single submitter. Criteria: EGL ClinVar v180209 classification definitions. Collection method: clinical testing. Allele origin: germline. Observed: 8 variant alleles, 8 heterozygotes.

CENTOGENE GmbH and LLC - Guiding Precision Medicine
Classification: Pathogenic for Desbuquois dysplasia 1. Review status: criteria provided, single submitter. Criteria: ACMG Guidelines, 2015. Collection method: clinical testing. Allele origin: germline. Affected: yes.

PreventionGenetics, part of Exact Sciences
Classification: Pathogenic for CANT1-related condition. Last evaluated: 2023-11-06. Review status: no assertion criteria provided. Collection method: clinical testing. Allele origin: germline. Not counted in ClinVar's aggregate classification.
Comment: The CANT1 c.902_906dup5 variant is predicted to result in a frameshift and premature protein termination (p.Ser303Alafs*21). This variant was reported in multiple individuals with autosomal recessive Desbuquois dysplasia (Huber. 2009. PubMed ID: 19853239; Al-Hamed. 2021. PubMed ID: 34853893; Table S6, Maddirevula. 2018. PubMed ID: 29620724; Ranza. 2017. PubMed ID: 28229453). This variant is reported in 0.0029% of alleles in individuals of Latino descent in gnomAD. Frameshift variants in CANT1 are expected to be pathogenic. This variant is interpreted as pathogenic.

Institute of Medical Genetics and Genomics, Sir Ganga Ram Hospital
Classification: Pathogenic for Desbuquois dysplasia 1. Last evaluated: 2022-01-30. Review status: no assertion criteria provided. Collection method: clinical testing. Allele origin: germline. Inheritance: Autosomal recessive inheritance. Affected: yes. Observed: 1 homozygote. Not counted in ClinVar's aggregate classification.
Comment: The allele frequency is 0.0008% in gnomAD (aggregated) database. In-silico bioinformatic software predict this variant by mutation taster as Disease causing. Desbuquois Dysplasia 1 is an autosomal recessive disorder. Based on the phenotypic observation, we classify this variant as pathogenic.

OMIM
Classification: Pathogenic for DESBUQUOIS DYSPLASIA 1. Last evaluated: 2010-05-01. Review status: no assertion criteria provided. Collection method: literature only. Allele origin: germline. Not counted in ClinVar's aggregate classification.

Genomic Medicine Center of Excellence, King Faisal Specialist Hospital and Research Centre
Classification: Pathogenic for Desbuquois dysplasia 1. Last evaluated: 2021-04-29. Review status: flagged submission. Collection method: research. Allele origin: germline. Affected: yes. Not counted in ClinVar's aggregate classification.
ClinVar note: Reason: This record appears to be redundant with a more recent record from the same submitter.
ClinVar note: Notes: SCV001870447 appears to be redundant with SCV004805417.

Literature cited by the submitters: PubMed 19853239 (cited by 3 submitters); PubMed 28229453 (cited by Labcorp Genetics (formerly Invitae), Labcorp and Eurofins Ntd Llc (ga)); PubMed 29620724 (cited by Labcorp Genetics (formerly Invitae), Labcorp); PubMed 20425819 (cited by Eurofins Ntd Llc (ga) and OMIM); PubMed 32860008 (cited by CENTOGENE GmbH and LLC - Guiding Precision Medicine).

NM_001159773.2(CANT1):c.902_906dup (p.Ser303fs)

Gene: CANT1 (calcium activated nucleotidase 1; minus strand). Cytogenetic location: 17q25.3.
Variant type: Microsatellite.
Coding change: c.902_906dup on transcript NM_001159773.2 (MANE Select); coding-DNA positions 902 to 906, 5 bases duplicated (GCGCC; older notation c.902_906dupGCGCC).
Protein change: p.Ser303fs; shifts the reading frame from serine 303.
Molecular consequence: frameshift variant.
Genome position (GRCh38, 1-based): chr17:78,993,850-78,993,854, GGCGC duplicated on the plus strand (GCGCC on the coding strand, the reverse complement: CANT1 is on the minus strand); duplicating any 5 consecutive bases within chr17:78,993,850-78,993,862 gives the same sequence; the c. name uses the placement nearest the transcript's 3' end. VCF-style (leftmost placement, unchanged base first): chr17-78993849-T-TGGCGC. GRCh37 (hg19) VCF-style: chr17-76989931-T-TGGCGC.
Other names: c.902_906dup (NM_001159772.1); c.902_906dupGCGCC (NM_138793.3); c.906_907insGCGCC (NM_001159773.2); c.902_906dup, p.Ser303fs (NM_001159772.2, NM_138793.4); short protein forms S303fs.
Identifiers: ClinVar variation 31013 (VCV000031013.45), dbSNP rs587776895, ClinGen allele CA129619.